The following is an entry in ClinVar:

ClinVar aggregate classification (germline): Uncertain significance (1 of 4 stars; one submission).

Submission:

Labcorp Genetics (formerly Invitae), Labcorp
Classification: Uncertain significance. Last evaluated: 2023-07-13. Review status: criteria provided, single submitter. Criteria: Invitae Variant Classification Sherloc (09022015). Collection method: clinical testing. Allele origin: germline.
Comment: This variant has not been reported in the literature in individuals affected with CDSN-related conditions. This sequence change replaces alanine, which is neutral and non-polar, with serine, which is neutral and polar, at codon 481 of the CDSN protein (p.Ala481Ser). This variant is not present in population databases (gnomAD no frequency). ClinVar contains an entry for this variant (Variation ID: 1918877). Advanced modeling of protein sequence and biophysical properties (such as structural, functional, and spatial information, amino acid conservation, physicochemical variation, residue mobility, and thermodynamic stability) performed at Invitae indicates that this missense variant is not expected to disrupt CDSN protein function. In summary, the available evidence is currently insufficient to determine the role of this variant in disease. Therefore, it has been classified as a Variant of Uncertain Significance.

NM_001264.5(CDSN):c.1441G>T (p.Ala481Ser)

Genes: CDSN (corneodesmosin; minus strand), PSORS1C1 (psoriasis susceptibility 1 candidate 1; plus strand). Cytogenetic location: 6p21.33.
Variant type: single nucleotide variant.
Coding change: c.1441G>T on transcript NM_001264.5 (MANE Select); coding-DNA position 1441, G replaced by T.
Protein change: p.Ala481Ser; replaces alanine 481 with serine.
Molecular consequence: missense variant. On other transcripts: intron variant (1).
Genome position (GRCh38, 1-based): chr6:31,116,174, C>A on the plus strand (G>T on the coding strand, the complement: CDSN is on the minus strand). VCF-style: chr6-31116174-C-A. GRCh37 (hg19) VCF-style: chr6-31083951-C-A.
Other names: c.-229+1283C>A (NM_014068.3); short protein forms A481S.
Identifiers: ClinVar variation 1918877 (VCV001918877.5), dbSNP rs138093208, ClinGen allele CA363313152.